The following is an entry in ClinVar:

NM_021942.6(TRAPPC11):c.1305T>A (p.Leu435=)

Gene: TRAPPC11 (trafficking protein particle complex subunit 11; plus strand). Cytogenetic location: 4q35.1.
Variant type: single nucleotide variant.
Coding change: c.1305T>A on transcript NM_021942.6 (MANE Select); coding-DNA position 1305, T replaced by A.
Protein change: p.Leu435=; no amino-acid change (leucine 435 retained).
Molecular consequence: synonymous variant.
Genome position (GRCh38, 1-based): chr4:183,684,162, T>A. VCF-style: chr4-183684162-T-A. GRCh37 (hg19) VCF-style: chr4-184605315-T-A.
Other names: c.1305T>A, p.Leu435= (NM_199053.3).
Identifiers: ClinVar variation 715108 (VCV000715108.11), dbSNP rs373944670, ClinGen allele CA3151878.

ClinVar aggregate classification (germline): Conflicting classifications of pathogenicity. Review status: criteria provided, conflicting classifications (1 of 4 stars). 2 submissions from 2 submitters: Uncertain significance (1); Likely benign (1). Last evaluated 2026-01-19.

Conditions:
Autosomal recessive limb-girdle muscular dystrophy type R18 (LGMDR18). Also called: Limb-girdle muscular dystrophy, type 2S; Autosomal recessive limb-girdle muscular dystrophy type 2S; MUSCULAR DYSTROPHY, LIMB-GIRDLE, AUTOSOMAL RECESSIVE 18. Identifiers: Orphanet 369840, MedGen C4517996, MONDO:0014144, OMIM 615356.

Allele frequency attached by ClinVar (database versions not stated): TOPMed 0.00010.
gnomAD v4.1: 44 of 1,613,858 alleles (0.0027%); highest among the groups gnomAD compares: Admixed American, 0.07%; no homozygotes.

Submissions (2):

Labcorp Genetics (formerly Invitae), Labcorp
Classification: Likely benign for Autosomal recessive limb-girdle muscular dystrophy type R18. Last evaluated: 2026-01-19. Review status: criteria provided, single submitter. Criteria: Invitae Variant Classification Sherloc (09022015). Collection method: clinical testing. Allele origin: germline.

GeneDx
Classification: Uncertain significance. Last evaluated: 2022-06-24. Review status: criteria provided, single submitter. Criteria: GeneDx Variant Classification Process June 2021. Collection method: clinical testing. Allele origin: germline. Affected: yes.
Comment: In silico analysis supports that this variant does not alter splicing; Has not been previously published as pathogenic or benign to our knowledge